The following is an entry in ClinVar:

ClinVar aggregate classification (germline): Uncertain significance (1 of 4 stars; one submission).

Submission:

Women's Health and Genetics/Laboratory Corporation of America, LabCorp
Classification: Uncertain significance. Last evaluated: 2026-06-22. Review status: criteria provided, single submitter. Criteria: LabCorp Variant Classification Summary - May 2015. Collection method: clinical testing. Allele origin: germline.
Comment: Variant summary: TECTA c.5164T>C (p.Cys1722Arg) results in a non-conservative amino acid change located in the VWF/SSPO/Zonadhesin-like, cysteine-rich domain (IPR014853) of the encoded protein sequence. Algorithms developed to predict the effect of missense changes on protein structure and function all suggest that this variant is likely to be disruptive. The variant was absent in 251390 control chromosomes. The available data on variant occurrences in the general population are insufficient to allow any conclusion about variant significance. To our knowledge, no occurrence of c.5164T>C in individuals affected with TECTA-related conditions and no experimental evidence demonstrating its impact on protein function have been reported. No submitters have cited clinical-significance assessments for this variant to ClinVar. Based on the evidence outlined above, the variant was classified as uncertain significance.

NM_005422.4(TECTA):c.5164T>C (p.Cys1722Arg)

Genes: TBCEL-TECTA (TBCEL-TECTA readthrough; plus strand), TECTA (tectorin alpha; plus strand). Cytogenetic location: 11q23.3.
Variant type: single nucleotide variant.
Coding change: c.5164T>C on transcript NM_005422.4 (MANE Select); coding-DNA position 5164, T replaced by C.
Protein change: p.Cys1722Arg; replaces cysteine 1722 with arginine.
Molecular consequence: missense variant.
Genome position (GRCh38, 1-based): chr11:121,162,262, T>C. VCF-style: chr11-121162262-T-C. GRCh37 (hg19) VCF-style: chr11-121032971-T-C.
Other names: c.6106T>C, p.Cys2036Arg (NM_001378761.1); short protein forms C1722R, C2036R.
Identifiers: ClinVar variation 4887767 (VCV004887767.1).